The following is an entry in ClinVar:

ClinVar aggregate classification (germline): Uncertain significance (1 of 4 stars; one submission).

Conditions:
Familial cancer of breast. Also called: hereditary breast carcinoma; Hereditary breast cancer; BREAST CANCER, FAMILIAL. Identifiers: Orphanet 227535, MedGen C0346153, MONDO:0016419, OMIM 114480. Disease mechanism: loss of function.

Submission:

Labcorp Genetics (formerly Invitae), Labcorp
Classification: Uncertain significance for Familial cancer of breast. Last evaluated: 2023-11-27. Review status: criteria provided, single submitter. Criteria: Invitae Variant Classification Sherloc (09022015). Collection method: clinical testing. Allele origin: germline.
Comment: This sequence change replaces tyrosine, which is neutral and polar, with phenylalanine, which is neutral and non-polar, at codon 139 of the CHEK2 protein (p.Tyr139Phe). This variant is not present in population databases (gnomAD no frequency). This variant has not been reported in the literature in individuals affected with CHEK2-related conditions. An algorithm developed to predict the effect of missense changes on protein structure and function (PolyPhen-2) suggests that this variant is likely to be disruptive. In summary, the available evidence is currently insufficient to determine the role of this variant in disease. Therefore, it has been classified as a Variant of Uncertain Significance.

NM_007194.4(CHEK2):c.416A>T (p.Tyr139Phe)

Gene: CHEK2 (checkpoint kinase 2; minus strand). Cytogenetic location: 22q12.1.
Variant type: single nucleotide variant.
Coding change: c.416A>T on transcript NM_007194.4 (MANE Select); coding-DNA position 416, A replaced by T.
Protein change: p.Tyr139Phe; replaces tyrosine 139 with phenylalanine.
Molecular consequence: missense variant.
Genome position (GRCh38, 1-based): chr22:28,725,271, T>A on the plus strand (A>T on the coding strand, the complement: CHEK2 is on the minus strand). VCF-style: chr22-28725271-T-A. GRCh37 (hg19) VCF-style: chr22-29121259-T-A.
Other names: c.545A>T, p.Tyr182Phe (NM_001005735.3); c.-362A>T (NM_001257387.3); c.416A>T, p.Tyr139Phe (NM_001349956.3, NM_145862.3); short protein forms Y182F, Y139F.
Identifiers: ClinVar variation 2699144 (VCV002699144.3), dbSNP rs587780182, ClinGen allele CA411107954.
Genomic context (GRCh38, chr22:28,725,271, plus strand): 5'-CTCTCCTAGATACATGGGTATTCATTACCTACCCTGAAAATCCGAAAGTGTTTCTTGCTG[T>A]ATGTTCGGTATTTATCTGTTCTTTTCAGCAGTGGTTCATCAAAGCAATATTCACAGCTTT-3'
Protein context (NP_009125.1, residues 129-149): LLKRTDKYRT[Tyr139Phe]SKKHFRIFRE